The following is an entry in ClinVar:

ClinVar aggregate classification (germline): Uncertain significance (1 of 4 stars; one submission).

Conditions:
EHMT1-related disorder. Also called: EHMT1-related condition.

gnomAD v4.1: 1 of 1,614,164 alleles (0.000062%); highest among the groups gnomAD compares: Non-Finnish European, 0.000085%; no homozygotes.

Submission:

PreventionGenetics, part of Exact Sciences
Classification: Uncertain significance for EHMT1-related condition. Last evaluated: 2025-10-20. Review status: criteria provided, single submitter. Criteria: ACMG Guidelines, 2015. Collection method: clinical testing. Allele origin: germline.
Comment: The EHMT1 c.2661C>A variant is predicted to result in the amino acid substitution p.Asp887Glu. To our knowledge, this variant has not been reported in the literature or in a large population database (gnomAD), indicating this variant is rare. At this time, the clinical significance of this variant is uncertain due to the absence of conclusive functional and genetic evidence.

NM_024757.5(EHMT1):c.2661C>A (p.Asp887Glu)

Gene: EHMT1 (euchromatic histone lysine methyltransferase 1; plus strand). Cytogenetic location: 9q34.3.
Variant type: single nucleotide variant.
Coding change: c.2661C>A on transcript NM_024757.5 (MANE Select); coding-DNA position 2661, C replaced by A.
Protein change: p.Asp887Glu; replaces aspartic acid 887 with glutamic acid.
Molecular consequence: missense variant.
Genome position (GRCh38, 1-based): chr9:137,800,933, C>A. VCF-style: chr9-137800933-C-A. GRCh37 (hg19) VCF-style: chr9-140695385-C-A.
Other names: c.2640C>A, p.Asp880Glu (NM_001354263.2); short protein forms D880E, D887E.
Identifiers: ClinVar variation 4993564 (VCV004993564.1).